The following is an entry in ClinVar:

NM_005876.5(SPEG):c.9097C>T (p.Arg3033Trp)

Genes: ASIC4-AS1 (ASIC4 antisense RNA 1; minus strand), SPEG (striated muscle enriched protein kinase; plus strand). Cytogenetic location: 2q35.
Variant type: single nucleotide variant.
Coding change: c.9097C>T on transcript NM_005876.5 (MANE Select); coding-DNA position 9097, C replaced by T.
Protein change: p.Arg3033Trp; replaces arginine 3033 with tryptophan.
Molecular consequence: missense variant.
Genome position (GRCh38, 1-based): chr2:219,490,584, C>T. VCF-style: chr2-219490584-C-T. GRCh37 (hg19) VCF-style: chr2-220355306-C-T.
Other names: short protein forms R3033W.
Identifiers: ClinVar variation 1386028 (VCV001386028.3), dbSNP rs747103054, ClinGen allele CA2127673.

ClinVar aggregate classification (germline): Uncertain significance (1 of 4 stars; one submission).

Allele frequency attached by ClinVar (database versions not stated): ExAC 0.00002; gnomAD exomes 0.00002 and 0.00003; TOPMed 0.00002; gnomAD 0.00003 and 0.00004.
gnomAD v4.1: 57 of 1,613,850 alleles (0.0035%); highest among the groups gnomAD compares: South Asian, 0.0044%; no homozygotes.

Submission:

Labcorp Genetics (formerly Invitae), Labcorp
Classification: Uncertain significance. Last evaluated: 2021-11-26. Review status: criteria provided, single submitter. Criteria: Invitae Variant Classification Sherloc (09022015). Collection method: clinical testing. Allele origin: germline.
Comment: This sequence change replaces arginine, which is basic and polar, with tryptophan, which is neutral and slightly polar, at codon 3033 of the SPEG protein (p.Arg3033Trp). This variant is present in population databases (rs747103054, gnomAD 0.006%). This variant has not been reported in the literature in individuals affected with SPEG-related conditions. Algorithms developed to predict the effect of missense changes on protein structure and function are either unavailable or do not agree on the potential impact of this missense change (SIFT: "Deleterious"; PolyPhen-2: "Probably Damaging"; Align-GVGD: "Class C0"). In summary, the available evidence is currently insufficient to determine the role of this variant in disease. Therefore, it has been classified as a Variant of Uncertain Significance.